The following is an entry in ClinVar:

NM_005861.4(STUB1):c.*240T>C

Genes: JMJD8 (jumonji domain containing 8; minus strand), STUB1 (STIP1 homology and U-box containing protein 1; plus strand). Cytogenetic location: 16p13.3.
Variant type: single nucleotide variant.
Coding change: c.*240T>C on transcript NM_005861.4 (MANE Select); 240 bases downstream of the stop codon, T replaced by C.
Molecular consequence: 3 prime UTR variant. On other transcripts: non-coding transcript variant (3).
Genome position (GRCh38, 1-based): chr16:682,729, T>C. VCF-style: chr16-682729-T-C. GRCh37 (hg19) VCF-style: chr16-732729-T-C.
Other names: c.*240T>C (NM_001293197.2); c.*65A>G (NM_001005920.4, NM_001323919.3, NM_001323920.3); c.*99A>G (NM_001323918.3, NM_001323922.3).
Identifiers: ClinVar variation 522378 (VCV000522378.3), dbSNP rs1555475794, ClinGen allele CA658798457.

ClinVar aggregate classification (germline): Likely pathogenic (1 of 4 stars; one submission).

Conditions:
Autosomal recessive spinocerebellar ataxia 16. Identifiers: Orphanet 412057, MedGen C5190574, MONDO:0014339, OMIM 615768.

Submission:

University of Uludag Hospital, Genetic Diseases Diagnostic Center, University of Uludag
Classification: Likely pathogenic for Autosomal recessive spinocerebellar ataxia 16. Last evaluated: 2018-02-08. Review status: criteria provided, single submitter. Criteria: ACMG Guidelines, 2015. Collection method: research. Allele origin: germline. Inheritance: Autosomal recessive inheritance. Affected: yes and no. Observed: 11 heterozygotes, 3 homozygotes. Clinical features observed: Dysarthria (HP:0001260), Unsteady gait (HP:0002317), Dysmetria (HP:0001310), Dysdiadochokinesis (HP:0002075), Kinetic tremor (HP:0030186), Hyperreflexia (HP:0001347).
Comment: Drastically low levels of STUB1 protein in patients. Not present in any database. Absent from controls and located in a highly conserved region of the gene. Cosegregation with disease in multiple affected family members (3 affected patients) in the STUB1 gene definitively known to cause SCAR16.